The following is an entry in ClinVar:

ClinVar aggregate classification (germline): Uncertain significance. Review status: criteria provided, multiple submitters, no conflicts (2 of 4 stars). 2 submissions from 2 submitters: Uncertain significance (2). Last evaluated 2024-08-23.

Conditions:
Retinoblastoma (RB1). Also called: RETINOBLASTOMA, SOMATIC. Identifiers: Orphanet 790, MedGen C0035335, MeSH D012175, MONDO:0008380, OMIM 180200, HP:0009919. Disease mechanism: loss of function. Inheritance: Both sporadic and heritable forms are tested..
Hereditary cancer-predisposing syndrome. Also called: Neoplastic Syndromes, Hereditary; Tumor predisposition; Hereditary Cancer Syndrome; Hereditary neoplastic syndrome. Identifiers: Orphanet 140162, MedGen C0027672, MeSH D009386, MONDO:0015356.

Submissions (2):

All of Us Research Program, National Institutes of Health
Classification: Uncertain significance for Retinoblastoma. Last evaluated: 2024-08-23. Review status: criteria provided, single submitter. Criteria: ACMG Guidelines, 2015. Collection method: clinical testing. Allele origin: germline. Inheritance: Autosomal dominant inheritance. Observed: 1 variant allele, 1 heterozygote.
Comment: This missense variant replaces leucine with phenylalanine at codon 743 of the RB1 protein. Computational prediction suggests that this variant may have deleterious impact on protein structure and function (internally defined REVEL score threshold >= 0.7, PMID: 27666373). To our knowledge, functional studies have not been reported for this variant. This variant has not been reported in individuals affected with RB1-related disorders in the literature. This variant has not been identified in the general population by the Genome Aggregation Database (gnomAD). The available evidence is insufficient to determine the role of this variant in disease conclusively. Therefore, this variant is classified as a Variant of Uncertain Significance.

This study involves interpretation of variants in research participants for the purpose of population health screening. Participant phenotype was not available at the time of variant classification. Additional details can be found in publication PMID: 35346344, PMCID: PMC8962531

Ambry Genetics
Classification: Uncertain significance for Hereditary cancer-predisposing syndrome. Last evaluated: 2024-02-27. Review status: criteria provided, single submitter. Criteria: Ambry Variant Classification Scheme 2023. Collection method: clinical testing. Allele origin: germline.
Comment: The p.L743F variant (also known as c.2229G>T), located in coding exon 22 of the RB1 gene, results from a G to T substitution at nucleotide position 2229. The leucine at codon 743 is replaced by phenylalanine, an amino acid with highly similar properties. This amino acid position is conserved. In addition, this alteration is predicted to be deleterious by in silico analysis. Since supporting evidence is limited at this time, the clinical significance of this alteration remains unclear.

NM_000321.3(RB1):c.2229G>T (p.Leu743Phe)

Gene: RB1 (RB transcriptional corepressor 1; plus strand). Cytogenetic location: 13q14.2.
Variant type: single nucleotide variant.
Coding change: c.2229G>T on transcript NM_000321.3 (MANE Select); coding-DNA position 2229, G replaced by T.
Protein change: p.Leu743Phe; replaces leucine 743 with phenylalanine.
Molecular consequence: missense variant.
Genome position (GRCh38, 1-based): chr13:48,465,015, G>T. VCF-style: chr13-48465015-G-T. GRCh37 (hg19) VCF-style: chr13-49039151-G-T.
Other names: c.2229G>T, p.Leu743Phe (NM_001407165.1); short protein forms L743F.
Identifiers: ClinVar variation 1788048 (VCV001788048.3), dbSNP rs1593539141, ClinGen allele CA388167508.